The following is an entry in ClinVar:

ClinVar aggregate classification (germline): Likely pathogenic (1 of 4 stars; one submission).

Conditions:
WASHC5-related disorder. Also called: WASHC5-related condition.

Submission:

PreventionGenetics, part of Exact Sciences
Classification: Likely pathogenic for WASHC5-related condition. Last evaluated: 2026-06-24. Review status: criteria provided, single submitter. Criteria: ACMG Guidelines, 2015. Collection method: clinical testing. Allele origin: germline.
Comment: The WASHC5 c.978+1G>A variant is predicted to disrupt the GT donor site and interfere with normal splicing. To our knowledge, this variant has not been reported in the literature or in a large population database (gnomAD), indicating this variant is rare. Variants that disrupt the consensus splice donor site in WASHC5 are expected to be pathogenic. This variant is interpreted as likely pathogenic.

NM_014846.4(WASHC5):c.978+1G>A

Gene: WASHC5 (WASH complex subunit 5; minus strand). Cytogenetic location: 8q24.13.
Variant type: single nucleotide variant.
Coding change: c.978+1G>A on transcript NM_014846.4 (MANE Select); the canonical splice donor site of the intron after coding-DNA position 978, G replaced by A.
Molecular consequence: splice donor variant.
Genome position (GRCh38, 1-based): chr8:125,074,997, C>T on the plus strand (G>A on the coding strand, the complement: WASHC5 is on the minus strand). VCF-style: chr8-125074997-C-T. GRCh37 (hg19) VCF-style: chr8-126087239-C-T.
Other names: c.534+1G>A (NM_001330609.2).
Identifiers: ClinVar variation 4993046 (VCV004993046.1).